The following is an entry in ClinVar:

ClinVar aggregate classification (germline): Likely pathogenic. Review status: criteria provided, multiple submitters, no conflicts (2 of 4 stars). 4 submissions from 4 submitters: Likely pathogenic (4). Last evaluated 2025-06-25.

Conditions:
Retinitis pigmentosa 25 (RP25). Identifiers: Orphanet 791, MedGen C1864446, MONDO:0011272, OMIM 602772.

Allele frequency attached by ClinVar (database versions not stated): gnomAD 0.00001.
gnomAD v4.1: 1 of 1,547,056 alleles (0.000065%); highest among the groups gnomAD compares: Non-Finnish European, 0.000087%; no homozygotes.

Submissions (4):

Natera, Inc.
Classification: Likely pathogenic for Retinitis pigmentosa type 25. Last evaluated: 2025-06-25. Review status: criteria provided, single submitter. Criteria: Natera Variant Classification Schema (03/2026). Collection method: clinical testing. Allele origin: germline.
Comment: The c.2993-1G>A variant in EYS is a canonical splice acceptor site variant predicted to affect pre-mRNA splicing, which may result in an abnormal transcript and altered protein product. This variant is expected to result in nonsense mediated decay, truncation, or a dysfunctional protein product. This variant is rare in the general population with a frequency below the threshold expected for the associated phenotype(s). Given the available evidence, this variant is classified as Likely Pathogenic.

Fulgent Genetics
Classification: Likely pathogenic for Retinitis pigmentosa 25. Last evaluated: 2024-05-28. Review status: criteria provided, single submitter. Criteria: ACMG Guidelines, 2015. Collection method: clinical testing. Allele origin: germline.

Labcorp Genetics (formerly Invitae), Labcorp
Classification: Likely pathogenic. Last evaluated: 2023-09-14. Review status: criteria provided, single submitter. Criteria: Invitae Variant Classification Sherloc (09022015). Collection method: clinical testing. Allele origin: germline.
Comment: This sequence change affects an acceptor splice site in intron 19 of the EYS gene. It is expected to disrupt RNA splicing. Variants that disrupt the donor or acceptor splice site typically lead to a loss of protein function (PMID: 16199547), and loss-of-function variants in EYS are known to be pathogenic (PMID: 18836446, 20333770). This variant is present in population databases (no rsID available, gnomAD 0.007%). In summary, the currently available evidence indicates that the variant is pathogenic, but additional data are needed to prove that conclusively. Therefore, this variant has been classified as Likely Pathogenic. Algorithms developed to predict the effect of sequence changes on RNA splicing suggest that this variant may disrupt the consensus splice site. Disruption of this splice site has been observed in individual(s) with clinical features of inherited retinal dystrophy (PMID: 32037395).

Baylor Genetics
Classification: Likely pathogenic for Retinitis pigmentosa 25. Last evaluated: 2022-05-23. Review status: criteria provided, single submitter. Criteria: ACMG Guidelines, 2015. Collection method: clinical testing. Allele origin: unknown.

Literature cited by the submitters: PubMed 16199547 (cited by Labcorp Genetics (formerly Invitae), Labcorp); PubMed 18836446 (cited by Labcorp Genetics (formerly Invitae), Labcorp); PubMed 20333770 (cited by Labcorp Genetics (formerly Invitae), Labcorp); PubMed 32037395 (cited by Labcorp Genetics (formerly Invitae), Labcorp).

NM_001142800.2(EYS):c.2993-1G>A

Gene: EYS (EGF-like photoreceptor maintenance factor; minus strand). Cytogenetic location: 6q12.
Variant type: single nucleotide variant.
Coding change: c.2993-1G>A on transcript NM_001142800.2 (MANE Select); the canonical splice acceptor site of the intron before coding-DNA position 2993, G replaced by A.
Molecular consequence: splice acceptor variant.
Genome position (GRCh38, 1-based): chr6:64,822,823, C>T on the plus strand (G>A on the coding strand, the complement: EYS is on the minus strand). VCF-style: chr6-64822823-C-T. GRCh37 (hg19) VCF-style: chr6-65532716-C-T.
Other names: c.2993-1G>A (NM_001292009.2, NM_001142800.1).
Identifiers: ClinVar variation 2675328 (VCV002675328.6), dbSNP rs1303686019, ClinGen allele CA364788128.